The following is an entry in ClinVar:

NM_001267550.2(TTN):c.85268G>A (p.Arg28423Gln)

Genes: TTN-AS1 (TTN antisense RNA 1; plus strand), TTN (titin; minus strand). Cytogenetic location: 2q31.2.
Variant type: single nucleotide variant.
Coding change: c.85268G>A on transcript NM_001267550.2 (MANE Select); coding-DNA position 85268, G replaced by A.
Protein change: p.Arg28423Gln; replaces arginine 28423 with glutamine.
Molecular consequence: missense variant.
Genome position (GRCh38, 1-based): chr2:178,560,864, C>T on the plus strand (G>A on the coding strand, the complement: TTN is on the minus strand). VCF-style: chr2-178560864-C-T. GRCh37 (hg19) VCF-style: chr2-179425591-C-T.
Other names: c.85268G>A (NM_001267550.1); c.80345G>A, p.Arg26782Gln (NM_001256850.1); c.58073G>A, p.Arg19358Gln (NM_003319.4); c.77564G>A, p.Arg25855Gln (NM_133378.4); c.58448G>A, p.Arg19483Gln (NM_133432.3); c.58649G>A, p.Arg19550Gln (NM_133437.4); short protein forms R25855Q, R28423Q, R19358Q, R19550Q, R26782Q, R19483Q.
Identifiers: ClinVar variation 263596 (VCV000263596.5), dbSNP rs747851682, ClinGen allele CA1988672.

ClinVar aggregate classification (germline): Uncertain significance. Review status: criteria provided, multiple submitters, no conflicts (2 of 4 stars). 3 submissions from 3 submitters: Uncertain significance (3). Last evaluated 2022-12-22.

Conditions:
TTN-related disorder. Also called: TTN-related disorders; TTN-related condition; TTN-related disease.
Cardiovascular phenotype. Identifiers: MedGen CN230736.

Allele frequency attached by ClinVar (database versions not stated): ExAC 0.00001; gnomAD exomes 0.00001; TOPMed 0.00001; gnomAD 0.00002.
gnomAD v4.1: 14 of 1,613,532 alleles (0.00087%); highest among the groups gnomAD compares: African/African-American, 0.004%; no homozygotes.

Submissions (3):

PreventionGenetics, part of Exact Sciences
Classification: Uncertain significance for TTN-related condition. Last evaluated: 2022-12-22. Review status: criteria provided, single submitter. Criteria: ACMG Guidelines, 2015. Collection method: clinical testing. Allele origin: germline.
Comment: The TTN c.85268G>A variant is predicted to result in the amino acid substitution p.Arg28423Gln. To our knowledge, this variant has not been reported in the literature. This variant is reported in 0.0052% of alleles in individuals of East Asian descent in gnomAD. At this time, the clinical significance of this variant is uncertain due to the absence of conclusive functional and genetic evidence.

GeneDx
Classification: Uncertain significance. Last evaluated: 2022-08-30. Review status: criteria provided, single submitter. Criteria: GeneDx Variant Classification Process June 2021. Collection method: clinical testing. Allele origin: germline. Affected: yes.
Comment: Not observed at significant frequency in large population cohorts (gnomAD); Missense variant in a gene in which most reported pathogenic variants are truncating/loss of function; Has not been previously published as pathogenic or benign to our knowledge

Ambry Genetics
Classification: Uncertain significance for Cardiovascular phenotype. Last evaluated: 2013-04-09. Review status: criteria provided, single submitter. Criteria: Ambry Autosomal Dominant and X-Linked criteria (10/2015). Collection method: clinical testing. Allele origin: germline. Observed: 1 variant allele.
Comment: There is insufficient or conflicting evidence for classification of this alteration.